The following is an entry in ClinVar:

NM_001077653.2(TBX20):c.545+3T>G

Gene: TBX20 (T-box transcription factor 20; minus strand). Cytogenetic location: 7p14.2.
Variant type: single nucleotide variant.
Coding change: c.545+3T>G on transcript NM_001077653.2 (MANE Select); 3 bases into the intron after coding-DNA position 545, T replaced by G.
Molecular consequence: intron variant.
Genome position (GRCh38, 1-based): chr7:35,248,674, A>C on the plus strand (T>G on the coding strand, the complement: TBX20 is on the minus strand). VCF-style: chr7-35248674-A-C. GRCh37 (hg19) VCF-style: chr7-35288286-A-C.
Other names: c.545+3T>G (NM_001166220.1).
Identifiers: ClinVar variation 3667419 (VCV003667419.2).

ClinVar aggregate classification (germline): Uncertain significance (1 of 4 stars; one submission).

Submission:

Labcorp Genetics (formerly Invitae), Labcorp
Classification: Uncertain significance. Last evaluated: 2024-02-15. Review status: criteria provided, single submitter. Criteria: Invitae Variant Classification Sherloc (09022015). Collection method: clinical testing. Allele origin: germline.
Comment: This sequence change falls in intron 3 of the TBX20 gene. It does not directly change the encoded amino acid sequence of the TBX20 protein. It affects a nucleotide within the consensus splice site. This variant is not present in population databases (gnomAD no frequency). This variant has not been reported in the literature in individuals affected with TBX20-related conditions. Variants that disrupt the consensus splice site are a relatively common cause of aberrant splicing (PMID: 17576681, 9536098). Algorithms developed to predict the effect of sequence changes on RNA splicing suggest that this variant is not likely to affect RNA splicing. In summary, the available evidence is currently insufficient to determine the role of this variant in disease. Therefore, it has been classified as a Variant of Uncertain Significance.

Literature cited by the submitters: PubMed 17576681; PubMed 9536098.